The following is an entry in ClinVar:

NM_000038.6(APC):c.1743+2399T>G

Gene: APC (APC regulator of WNT signaling pathway; plus strand). Cytogenetic location: 5q22.2.
Variant type: single nucleotide variant.
Coding change: c.1743+2399T>G on transcript NM_000038.6 (MANE Select); 2399 bases into the intron after coding-DNA position 1743, T replaced by G.
Molecular consequence: intron variant.
Genome position (GRCh38, 1-based): chr5:112,831,371, T>G. VCF-style: chr5-112831371-T-G. GRCh37 (hg19) VCF-style: chr5-112167068-T-G.
Other names: c.1743+2399T>G (NM_001354895.2, NM_001127510.3); c.1773+2399T>G (NM_001354897.2); c.1470+2399T>G (NM_001354902.2); c.1689+2399T>G (NM_001127511.3); c.1668+2399T>G (NM_001354898.2); c.1365+2399T>G (NM_001354904.2); c.894+2399T>G (NM_001354906.2); c.1797+2399T>G (NM_001354896.2); and 5 more.
Identifiers: ClinVar variation 82601 (VCV000082601.2), dbSNP rs77263155, ClinGen allele CA005627.

ClinVar aggregate classification (germline): other (0 of 4 stars; one submission).

Conditions:
Familial colorectal cancer. Identifiers: MedGen CN280943, MONDO:0023113. Disease mechanism: loss of function.

Allele frequency attached by ClinVar (database versions not stated): gnomAD 0.00001.
gnomAD v4.1: 1 of 152,198 alleles (0.00066%); highest among the groups gnomAD compares: Admixed American, 0.0065%; no homozygotes.

Submission:

Systems Biology Platform Zhejiang California International NanoSystems Institute
Classification: other for Familial colorectal cancer. Review status: no assertion criteria provided. Collection method: not provided. Allele origin: unknown.
ClinVar note: Converted during submission from cancer to other.